The following is an entry in ClinVar:

NM_001077415.3(CRELD1):c.1049-376T>G

Gene: CRELD1 (CRELD disulfide isomerase 1; plus strand). Cytogenetic location: 3p25.3.
Variant type: single nucleotide variant.
Coding change: c.1049-376T>G on transcript NM_001077415.3 (MANE Select); 376 bases into the intron before coding-DNA position 1049, T replaced by G.
Molecular consequence: intron variant. On other transcripts: missense variant (3).
Genome position (GRCh38, 1-based): chr3:9,943,989, T>G. VCF-style: chr3-9943989-T-G. GRCh37 (hg19) VCF-style: chr3-9985673-T-G.
Other names: c.1136T>G, p.Met379Arg (NM_001031717.4); c.1148T>G, p.Met383Arg (NM_001374317.1, NM_001374318.1); c.965-376T>G (NM_001374319.1, NM_001374320.1); c.1049-376T>G (NM_001374316.1, NM_015513.6); short protein forms M379R, M383R.
Identifiers: ClinVar variation 627519 (VCV000627519.7), dbSNP rs73118372, ClinGen allele CA351728716.

ClinVar aggregate classification (germline): Uncertain significance. Review status: criteria provided, multiple submitters, no conflicts (2 of 4 stars). 3 submissions from 3 submitters: Uncertain significance (3). Last evaluated 2026-04-01.

Conditions:
Atrioventricular septal defect, susceptibility to, 2. Identifiers: MedGen C1853508, MONDO:0011650, OMIM 606217.
Tetralogy of Fallot (TOF). Identifiers: Orphanet 3303, MedGen C0039685, MONDO:0008542, OMIM 187500, HP:0001636.

Allele frequency attached by ClinVar (database versions not stated): TOPMed 0.00009.
gnomAD v4.1: 39 of 1,036,330 alleles (0.0038%); highest among the groups gnomAD compares: Admixed American, 0.066%; no homozygotes.

Submissions (3):

CeGaT Center for Human Genetics Tuebingen
Classification: Uncertain significance. Last evaluated: 2026-04-01. Review status: criteria provided, single submitter. Criteria: CeGaT Center For Human Genetics Tuebingen Variant Classification Criteria Version 2. Collection method: clinical testing. Allele origin: germline. Affected: yes. Observed: 1 variant allele.
Comment: CRELD1: PM2, BP4

Labcorp Genetics (formerly Invitae), Labcorp
Classification: Uncertain significance for Atrioventricular septal defect, susceptibility to, 2. Last evaluated: 2022-05-14. Review status: criteria provided, single submitter. Criteria: Invitae Variant Classification Sherloc (09022015). Collection method: clinical testing. Allele origin: germline.
Comment: Algorithms developed to predict the effect of missense changes on protein structure and function are either unavailable or do not agree on the potential impact of this missense change (SIFT: "Deleterious"; PolyPhen-2: "Benign"; Align-GVGD: "Class C0"). In summary, the available evidence is currently insufficient to determine the role of this variant in disease. Therefore, it has been classified as a Variant of Uncertain Significance. ClinVar contains an entry for this variant (Variation ID: 627519). This variant is present in population databases (no rsID available, gnomAD 0.05%), and has an allele count higher than expected for a pathogenic variant. This variant has not been reported in the literature in individuals affected with CRELD1-related conditions. This sequence change replaces methionine, which is neutral and non-polar, with arginine, which is basic and polar, at codon 379 of the CRELD1 protein (p.Met379Arg).

Clinical Molecular Genetics Laboratory, Johns Hopkins All Children's Hospital
Classification: Uncertain significance for Tetralogy of Fallot. Last evaluated: 2019-04-26. Review status: criteria provided, single submitter. Criteria: ACMG Guidelines, 2015. Collection method: clinical testing. Allele origin: germline. Affected: yes. Observed: 1 heterozygote.